The following is an entry in ClinVar:

NM_000077.5(CDKN2A):c.305C>T (p.Ala102Val)

Gene: CDKN2A (cyclin dependent kinase inhibitor 2A; minus strand). Cytogenetic location: 9p21.3.
Variant type: single nucleotide variant.
Coding change: c.305C>T on transcript NM_000077.5; coding-DNA position 305, C replaced by T.
Protein change: p.Ala102Val; replaces alanine 102 with valine.
Molecular consequence: missense variant (on NM_000077.6). On other transcripts: synonymous variant (1), 3 prime UTR variant (1).
Genome position (GRCh38, 1-based): chr9:21,971,054, G>A on the plus strand (C>T on the coding strand, the complement: CDKN2A is on the minus strand). VCF-style: chr9-21971054-G-A. GRCh37 (hg19) VCF-style: chr9-21971053-G-A.
Other names: c.305C>T, p.Ala102Val (NM_000077.6, NM_001195132.2); c.152C>T, p.Ala51Val (NM_001363763.2); c.348C>T, p.Gly116= (NM_058195.4); c.*228C>T (NM_058197.5); short protein forms A102V, A51V.
Identifiers: ClinVar variation 234071 (VCV000234071.13), dbSNP rs137854598, ClinGen allele CA10578839.

ClinVar aggregate classification (germline): Uncertain significance. Review status: criteria provided, multiple submitters, no conflicts (2 of 4 stars). 4 submissions from 4 submitters: Uncertain significance (4). Last evaluated 2025-10-02.

Conditions:
Familial melanoma. Also called: Hereditary melanoma; Hereditary cutaneous melanoma. Identifiers: Orphanet 618, MedGen C1512419, MONDO:0018961.
Hereditary cancer-predisposing syndrome. Also called: Neoplastic Syndromes, Hereditary; Hereditary Cancer Syndrome; Tumor predisposition; Hereditary neoplastic syndrome. Identifiers: Orphanet 140162, MedGen C0027672, MeSH D009386, MONDO:0015356.

Allele frequency attached by ClinVar (database versions not stated): gnomAD exomes below 0.00001.
gnomAD v4.1: 5 of 1,605,312 alleles (0.00031%); highest among the groups gnomAD compares: South Asian, 0.0055%; no homozygotes.

Submissions (4):

Labcorp Genetics (formerly Invitae), Labcorp
Classification: Uncertain significance for Familial melanoma. Last evaluated: 2025-10-02. Review status: criteria provided, single submitter. Criteria: Invitae Variant Classification Sherloc (09022015). Collection method: clinical testing. Allele origin: germline.
Comment: The CDKN2A gene encodes two different proteins, p16INK4a and p14ARF, which are translated from alternative transcripts with different open reading frames. Both transcripts have been analyzed. We report either the variant with the higher classification or default to the CDKN2A (p16INK4a) variant. This report therefore includes the details for the CDKN2A (p16INK4a) variant. This sequence change replaces alanine, which is neutral and non-polar, with valine, which is neutral and non-polar, at codon 102 of the CDKN2A (p16INK4a) protein (p.Ala102Val). This variant is not present in population databases (gnomAD no frequency). This missense change has been observed in individual(s) with melanoma (PMID: 26681309). This variant is also known as c.348C>T (Silent) in the CDKN2A (p14ARF) transcript. ClinVar contains an entry for this variant (Variation ID: 234071). An algorithm developed to predict the effect of missense changes on protein structure and function (PolyPhen-2) suggests that this variant is likely to be disruptive. In summary, the available evidence is currently insufficient to determine the role of this variant in disease. Therefore, it has been classified as a Variant of Uncertain Significance.

Color Diagnostics, LLC DBA Color Health
Classification: Uncertain significance for Hereditary cancer-predisposing syndrome. Last evaluated: 2025-08-08. Review status: criteria provided, single submitter. Criteria: ACMG Guidelines, 2015. Collection method: clinical testing. Allele origin: germline.
Comment: The CDKN2A locus encodes two different gene products, p16INK4a and p14ARF. This missense variant replaces glycine with valine at codon 116 of the CDKN2A (p16INK4A) protein. Computational prediction is inconclusive regarding the impact of this variant on protein structure and function. To our knowledge, functional studies have not been reported for this variant. This variant has been reported in individuals affected with melanoma (PMID: 26681309, 37322831, 37611275). This variant has not been identified in the general population by the Genome Aggregation Database (gnomAD). The available evidence is insufficient to determine the role of this variant in disease conclusively. Therefore, this variant is classified as a Variant of Uncertain Significance.

Ambry Genetics
Classification: Uncertain significance for Hereditary cancer-predisposing syndrome. Last evaluated: 2025-05-28. Review status: criteria provided, single submitter. Criteria: Ambry Variant Classification Scheme 2023. Collection method: clinical testing. Allele origin: germline.
Comment: The p.A102V variant (also known as c.305C>T), located in coding exon 2 of the CDKN2A gene, results from a C to T substitution at nucleotide position 305. The alanine at codon 102 is replaced by valine, an amino acid with similar properties. Of note, this variant is also known as c.348C>T (p.G116G)in the p14(ARF) isoform. This alteration was identified in an individual diagnosed with melanoma (Potrony M et al. J. Am. Acad. Dermatol., 2014 Nov;71:888-95). This amino acid position is well conserved in available vertebrate species. In addition, this alteration is predicted to be deleterious by in silico analysis. Based on the available evidence, the clinical significance of this variant remains unclear.

GeneDx
Classification: Uncertain significance. Last evaluated: 2024-01-04. Review status: criteria provided, single submitter. Criteria: GeneDx Variant Classification Process June 2021. Collection method: clinical testing. Allele origin: germline. Affected: yes.
Comment: Not observed at significant frequency in large population cohorts (gnomAD); In silico analysis supports that this missense variant has a deleterious effect on protein structure/function; This variant is associated with the following publications: (PMID: 9053859, 16354195, 16234564, 31026031, 26681309, 25064638, 37611275)

Literature cited by the submitters: PubMed 26681309 (cited by Labcorp Genetics (formerly Invitae), Labcorp and Color Diagnostics, LLC DBA Color Health); PubMed 37322831 (cited by Color Diagnostics, LLC DBA Color Health and Ambry Genetics); PubMed 37611275 (cited by Color Diagnostics, LLC DBA Color Health and Ambry Genetics); PubMed 16234564 (cited by Ambry Genetics); PubMed 16354195 (cited by Ambry Genetics); PubMed 25064638 (cited by Ambry Genetics).